The following is an entry in ClinVar:

NM_130839.5(UBE3A):c.2436A>G (p.Ala812=)

Genes: SNHG14 (small nucleolar RNA host gene 14; plus strand), UBE3A (ubiquitin protein ligase E3A; minus strand). Cytogenetic location: 15q11.2.
Variant type: single nucleotide variant.
Coding change: c.2436A>G on transcript NM_130839.5 (MANE Select); coding-DNA position 2436, A replaced by G.
Protein change: p.Ala812=; no amino-acid change (alanine 812 retained).
Molecular consequence: synonymous variant. On other transcripts: non-coding transcript variant (1).
Genome position (GRCh38, 1-based): chr15:25,340,147, T>C on the plus strand (A>G on the coding strand, the complement: UBE3A is on the minus strand). VCF-style: chr15-25340147-T-C. GRCh37 (hg19) VCF-style: chr15-25585294-T-C.
Other names: c.2220A>G, p.Ala740= (NM_001354547.2, NM_001354548.2); c.2211A>G, p.Ala737= (NM_001354549.2); c.1185A>G, p.Ala395= (NM_001354550.2); c.1125A>G, p.Ala375= (NM_001354551.2); c.2376A>G, p.Ala792= (NM_001374461.1, NM_130838.4, NM_001354541.2 and 14 more transcripts); c.2280A>G, p.Ala760= (NM_001354545.2); c.2259A>G, p.Ala753= (NM_001354546.2); c.2445A>G, p.Ala815= (NM_000462.5); and 1 more.
Identifiers: ClinVar variation 4681847 (VCV004681847.5).
Genomic context (GRCh38, chr15:25,340,147, plus strand): 5'-TTCTGTGTCTGGGCCATTTTTGGCTATAATCATCTTTAATTTTCCTAGTCCTCCCACAGG[T>C]GCTCTGTCTGTGCCCGTTGTAAACTGCAAGAAGAGTCTTTTCTGTTCATCTGTAAATGAA-3'
Protein context (NP_570854.1, residues 802-822): FLQFTTGTDR[Ala812=]PVGGLGKLKM

ClinVar aggregate classification (germline): Likely benign (1 of 4 stars; one submission).

gnomAD v4.1: 1 of 1,614,080 alleles (0.000062%); highest among the groups gnomAD compares: Non-Finnish European, 0.000085%; no homozygotes.

Submission:

CeGaT Center for Human Genetics Tuebingen
Classification: Likely benign. Last evaluated: 2025-12-01. Review status: criteria provided, single submitter. Criteria: CeGaT Center For Human Genetics Tuebingen Variant Classification Criteria Version 2. Collection method: clinical testing. Allele origin: germline. Affected: yes. Observed: 1 variant allele.
Comment: UBE3A: BP4, BP7